The following is an entry in ClinVar:

NM_017636.4(TRPM4):c.2156G>A (p.Arg719Gln)

Gene: TRPM4 (transient receptor potential cation channel subfamily M member 4; plus strand). Cytogenetic location: 19q13.33.
Variant type: single nucleotide variant.
Coding change: c.2156G>A on transcript NM_017636.4 (MANE Select); coding-DNA position 2156, G replaced by A.
Protein change: p.Arg719Gln; replaces arginine 719 with glutamine.
Molecular consequence: missense variant.
Genome position (GRCh38, 1-based): chr19:49,190,719, G>A. VCF-style: chr19-49190719-G-A. GRCh37 (hg19) VCF-style: chr19-49693976-G-A.
Other names: c.2156G>A, p.Arg719Gln (NM_001195227.2); c.1811G>A, p.Arg604Gln (NM_001321281.2); c.548G>A, p.Arg183Gln (NM_001321282.2); c.1634G>A, p.Arg545Gln (NM_001321283.2); c.1094G>A, p.Arg365Gln (NM_001321285.2); short protein forms R719Q, R365Q, R604Q, R183Q, R545Q.
Identifiers: ClinVar variation 511349 (VCV000511349.19), dbSNP rs78381230, ClinGen allele CA9569465.

ClinVar aggregate classification (germline): Likely benign. Review status: criteria provided, multiple submitters, no conflicts (2 of 4 stars). 7 submissions from 7 submitters: Likely benign (6). 1 of the submissions does not count toward it. Last evaluated 2026-01-12.

Conditions:
Cardiovascular phenotype. Identifiers: MedGen CN230736.
Progressive familial heart block type IB (PFHB1B). Identifiers: Orphanet 871, MedGen C1970298, MONDO:0011474, OMIM 604559.
TRPM4-related disorder. Also called: TRPM4-related condition; TRPM4-related disorders. Identifiers: MedGen CN239424.

Allele frequency attached by ClinVar (database versions not stated): gnomAD exomes 0.00018; ExAC 0.00022; TOPMed 0.00058; ESP Exome Variant Server 0.00069; 1000 Genomes Project 30x 0.00094; 1000 Genomes Project 0.00100.
gnomAD v4.1: 204 of 1,614,138 alleles (0.013%); highest among the groups gnomAD compares: African/African-American, 0.19%; no homozygotes.

Submissions (7):

Labcorp Genetics (formerly Invitae), Labcorp
Classification: Likely benign for Progressive familial heart block type IB. Last evaluated: 2026-01-12. Review status: criteria provided, single submitter. Criteria: Invitae Variant Classification Sherloc (09022015). Collection method: clinical testing. Allele origin: germline.

Molecular Diagnostic Laboratory for Inherited Cardiovascular Disease, Montreal Heart Institute
Classification: Likely benign. Last evaluated: 2025-07-24. Review status: criteria provided, single submitter. Criteria: ACMG Guidelines, 2015. Collection method: clinical testing. Allele origin: germline. Affected: no.
Comment: BS1;BP4

Blueprint Genetics
Classification: Likely benign. Last evaluated: 2024-05-08. Review status: criteria provided, single submitter. Criteria: ACMG Guidelines, 2015. Collection method: clinical testing. Allele origin: germline.

Ambry Genetics
Classification: Likely benign for Cardiovascular phenotype. Last evaluated: 2019-08-20. Review status: criteria provided, single submitter. Criteria: Ambry Variant Classification Scheme 2023. Collection method: clinical testing. Allele origin: germline.

GeneDx
Classification: Likely benign. Last evaluated: 2017-08-10. Review status: criteria provided, single submitter. Criteria: GeneDx Variant Classification (06012015). Collection method: clinical testing. Allele origin: germline. Affected: yes.
Comment: This variant is considered likely benign or benign based on one or more of the following criteria: it is a conservative change, it occurs at a poorly conserved position in the protein, it is predicted to be benign by multiple in silico algorithms, and/or has population frequency not consistent with disease.

Breakthrough Genomics
Classification: Likely benign. Review status: criteria provided, single submitter. Criteria: ACMG Guidelines, 2015. Collection method: not provided. Allele origin: germline. Inheritance: Autosomal dominant inheritance. Affected: yes.

PreventionGenetics, part of Exact Sciences
Classification: Likely benign for TRPM4-related condition. Last evaluated: 2020-06-22. Review status: no assertion criteria provided. Collection method: clinical testing. Allele origin: germline. Not counted in ClinVar's aggregate classification.
Comment: This variant is classified as likely benign based on ACMG/AMP sequence variant interpretation guidelines (Richards et al. 2015 PMID: 25741868, with internal and published modifications).